The following is an entry in ClinVar:

NM_001367624.2(ZNF469):c.1742C>T (p.Pro581Leu)

Gene: ZNF469 (zinc finger protein 469; plus strand). Cytogenetic location: 16q24.2.
Variant type: single nucleotide variant.
Coding change: c.1742C>T on transcript NM_001367624.2 (MANE Select); coding-DNA position 1742, C replaced by T.
Protein change: p.Pro581Leu; replaces proline 581 with leucine.
Molecular consequence: missense variant.
Genome position (GRCh38, 1-based): chr16:88,429,212, C>T. VCF-style: chr16-88429212-C-T. GRCh37 (hg19) VCF-style: chr16-88495620-C-T.
Other names: NM_001127464.1:c.1742C>T; short protein forms P581L.
Identifiers: ClinVar variation 1779220 (VCV001779220.5), dbSNP rs765823220, ClinGen allele CA286373038.

ClinVar aggregate classification (germline): Uncertain significance. Review status: criteria provided, multiple submitters, no conflicts (2 of 4 stars). 2 submissions from 2 submitters: Uncertain significance (2). Last evaluated 2025-10-26.

Conditions:
Cardiovascular phenotype. Identifiers: MedGen CN230736.

Allele frequency attached by ClinVar (database versions not stated): gnomAD 0.00002; TOPMed 0.00002.
gnomAD v4.1: 23 of 1,549,646 alleles (0.0015%); highest among the groups gnomAD compares: Admixed American, 0.0059%; no homozygotes.

Submissions (2):

Labcorp Genetics (formerly Invitae), Labcorp
Classification: Uncertain significance. Last evaluated: 2025-10-26. Review status: criteria provided, single submitter. Criteria: Invitae Variant Classification Sherloc (09022015). Collection method: clinical testing. Allele origin: germline.
Comment: This sequence change replaces proline, which is neutral and non-polar, with leucine, which is neutral and non-polar, at codon 581 of the ZNF469 protein (p.Pro581Leu). This variant is present in population databases (no rsID available, gnomAD 0.008%). This variant has not been reported in the literature in individuals affected with ZNF469-related conditions. ClinVar contains an entry for this variant (Variation ID: 1779220). An algorithm developed to predict the effect of missense changes on protein structure and function (PolyPhen-2) suggests that this variant is likely to be tolerated. In summary, the available evidence is currently insufficient to determine the role of this variant in disease. Therefore, it has been classified as a Variant of Uncertain Significance.

Ambry Genetics
Classification: Uncertain significance for Cardiovascular phenotype. Last evaluated: 2024-01-29. Review status: criteria provided, single submitter. Criteria: Ambry Variant Classification Scheme 2023. Collection method: clinical testing. Allele origin: germline.
Comment: The p.P581L variant (also known as c.1742C>T), located in coding exon 1 of the ZNF469 gene, results from a C to T substitution at nucleotide position 1742. The proline at codon 581 is replaced by leucine, an amino acid with similar properties. This amino acid position is conserved. In addition, this alteration is predicted to be tolerated by in silico analysis. Since supporting evidence is limited at this time, the clinical significance of this alteration remains unclear.